The following is an entry in ClinVar:

ClinVar aggregate classification (germline): Pathogenic. Review status: criteria provided, multiple submitters, no conflicts (2 of 4 stars). 2 submissions from 2 submitters: Pathogenic (2). Last evaluated 2024-01-15.

Conditions:
Granulomatous disease, chronic, X-linked. Also called: CYTOCHROME b-NEGATIVE GRANULOMATOUS DISEASE, CHRONIC, X-LINKED; GRANULOMATOUS DISEASE, CHRONIC, X-LINKED, SOMATIC MOSAIC. Identifiers: Orphanet 379, MedGen C1844376, MONDO:0010600, OMIM 306400.

Submissions (2):

Labcorp Genetics (formerly Invitae), Labcorp
Classification: Pathogenic for Granulomatous disease, chronic, X-linked. Last evaluated: 2024-01-15. Review status: criteria provided, single submitter. Criteria: Invitae Variant Classification Sherloc (09022015). Collection method: clinical testing. Allele origin: germline.
Comment: This sequence change creates a premature translational stop signal (p.Val321Trpfs*22) in the CYBB gene. It is expected to result in an absent or disrupted protein product. Loss-of-function variants in CYBB are known to be pathogenic (PMID: 9585602, 20729109). This variant is not present in population databases (gnomAD no frequency). This premature translational stop signal has been observed in individual(s) with chronic granulomatous disease (PMID: 11162142). This variant is also known as 971/972 A deleted. ClinVar contains an entry for this variant (Variation ID: 503616). For these reasons, this variant has been classified as Pathogenic.

GeneDx
Classification: Pathogenic. Last evaluated: 2017-11-09. Review status: criteria provided, single submitter. Criteria: GeneDx Variant Classification (06012015). Collection method: clinical testing. Allele origin: germline. Affected: yes.
Comment: The c.960delA variant in the CYBB gene has been published as a pathogenic variant in association with CGD (Heyworth et al., 2001). The c.960delA pathogenic variant in the CYBB gene causes a frameshift starting with codon Valine, changes this amino acid to a Tryptophan residue and creates a premature Stop codon at position 22 of the new reading frame, denoted p.Val321TrpfsX22. This pathogenic variant is predicted to cause loss of normal protein function either through protein truncation or nonsense-mediated mRNA decay. The variant is not observed in large population cohorts (Lek et al., 2016). Therefore, this variant is pathogenic.

Literature cited by the submitters: PubMed 9585602 (cited by Labcorp Genetics (formerly Invitae), Labcorp); PubMed 20729109 (cited by Labcorp Genetics (formerly Invitae), Labcorp); PubMed 11162142 (cited by Labcorp Genetics (formerly Invitae), Labcorp).

NM_000397.4(CYBB):c.960del (p.Val321fs)

Gene: CYBB (cytochrome b-245 beta chain; plus strand). Cytogenetic location: Xp11.4.
Variant type: Deletion.
Coding change: c.960del on transcript NM_000397.4 (MANE Select); coding-DNA position 960, one base deleted (A; older notation c.960delA).
Protein change: p.Val321fs; shifts the reading frame from valine 321.
Molecular consequence: frameshift variant.
Genome position (GRCh38, 1-based): chrX:37,803,939, A deleted; the last of 2 consecutive A bases (chrX:37,803,938-37,803,939); deleting either gives the same sequence. VCF-style (leftmost placement, unchanged base first): chrX-37803937-GA-G. GRCh37 (hg19) VCF-style: chrX-37663190-GA-G.
Other names: c.960delA (NM_000397.3); short protein forms V321fs.
Identifiers: ClinVar variation 503616 (VCV000503616.7), dbSNP rs1556470775, ClinGen allele CA658799713.
Genomic context (GRCh38, chrX:37,803,937, plus strand): 5'-GTGGTCACTCACCCTTTCAAAACCATCGAGCTACAGATGAAGAAGAAGGGGTTCAAAATG[GA>G]AGTGGGACAATACATTTTTGTCAAGTGCCCAAAGGTGTCCAAGCTGGAGTGGCACCCTTT-3'